The following is an entry in ClinVar:

ClinVar aggregate classification (germline): Uncertain significance (1 of 4 stars; one submission).

Submission:

GeneDx
Classification: Uncertain significance. Last evaluated: 2026-02-26. Review status: criteria provided, single submitter. Criteria: GeneDx Variant Classification Process June 2021. Collection method: clinical testing. Allele origin: germline.
Comment: Not observed at significant frequency in large population cohorts (gnomAD); In silico analysis suggests that this missense variant does not alter protein structure/function; Has not been previously published as pathogenic or benign to our knowledge

NM_001349253.2(SCN11A):c.94G>T (p.Ala32Ser)

Gene: SCN11A (sodium voltage-gated channel alpha subunit 11; minus strand). Cytogenetic location: 3p22.2.
Variant type: single nucleotide variant.
Coding change: c.94G>T on transcript NM_001349253.2 (MANE Select); coding-DNA position 94, G replaced by T.
Protein change: p.Ala32Ser; replaces alanine 32 with serine.
Molecular consequence: missense variant.
Genome position (GRCh38, 1-based): chr3:38,950,269, C>A on the plus strand (G>T on the coding strand, the complement: SCN11A is on the minus strand). VCF-style: chr3-38950269-C-A. GRCh37 (hg19) VCF-style: chr3-38991760-C-A.
Other names: c.94G>T, p.Ala32Ser (NM_014139.3); short protein forms A32S.
Identifiers: ClinVar variation 5008070 (VCV005008070.1).